The following is an entry in ClinVar:

NM_001128840.3(CACNA1D):c.6152A>C (p.Asn2051Thr)

Gene: CACNA1D (calcium voltage-gated channel subunit alpha1 D; plus strand). Cytogenetic location: 3p21.1.
Variant type: single nucleotide variant.
Coding change: c.6152A>C on transcript NM_001128840.3 (MANE Select); coding-DNA position 6152, A replaced by C.
Protein change: p.Asn2051Thr; replaces asparagine 2051 with threonine.
Molecular consequence: missense variant.
Genome position (GRCh38, 1-based): chr3:53,810,258, A>C. VCF-style: chr3-53810258-A-C. GRCh37 (hg19) VCF-style: chr3-53844285-A-C.
Other names: c.6212A>C, p.Asn2071Thr (NM_000720.4); c.6080A>C, p.Asn2027Thr (NM_001128839.3); short protein forms N2027T, N2051T, N2071T.
Identifiers: ClinVar variation 1461560 (VCV001461560.6), dbSNP rs1341586484, ClinGen allele CA353258727.

ClinVar aggregate classification (germline): Uncertain significance (1 of 4 stars; one submission).

Allele frequency attached by ClinVar (database versions not stated): TOPMed below 0.00001.
gnomAD v4.1: 8 of 1,613,860 alleles (0.0005%); highest among the groups gnomAD compares: Non-Finnish European, 0.00068%; no homozygotes.

Submission:

Labcorp Genetics (formerly Invitae), Labcorp
Classification: Uncertain significance. Last evaluated: 2022-03-22. Review status: criteria provided, single submitter. Criteria: Invitae Variant Classification Sherloc (09022015). Collection method: clinical testing. Allele origin: germline.
Comment: In summary, the available evidence is currently insufficient to determine the role of this variant in disease. Therefore, it has been classified as a Variant of Uncertain Significance. Algorithms developed to predict the effect of missense changes on protein structure and function (SIFT, PolyPhen-2, Align-GVGD) all suggest that this variant is likely to be tolerated. This variant has not been reported in the literature in individuals affected with CACNA1D-related conditions. This variant is not present in population databases (gnomAD no frequency). This sequence change replaces asparagine, which is neutral and polar, with threonine, which is neutral and polar, at codon 2071 of the CACNA1D protein (p.Asn2071Thr).